The following is an entry in ClinVar:

NM_001384140.1(PCDH15):c.2450C>G (p.Pro817Arg)

Gene: PCDH15 (protocadherin related 15; minus strand). Cytogenetic location: 10q21.1.
Variant type: single nucleotide variant.
Coding change: c.2450C>G on transcript NM_001384140.1 (MANE Select); coding-DNA position 2450, C replaced by G.
Protein change: p.Pro817Arg; replaces proline 817 with arginine.
Molecular consequence: missense variant.
Genome position (GRCh38, 1-based): chr10:54,022,968, G>C on the plus strand (C>G on the coding strand, the complement: PCDH15 is on the minus strand). VCF-style: chr10-54022968-G-C. GRCh37 (hg19) VCF-style: chr10-55782728-G-C.
Other names: c.2465C>G, p.Pro822Arg (NM_001142763.2, NM_001142771.2); c.2450C>G, p.Pro817Arg (NM_001142764.2, NM_001142766.2, NM_001142770.3 and 5 more transcripts); c.2237C>G, p.Pro746Arg (NM_001142765.2); c.2339C>G, p.Pro780Arg (NM_001142767.2); c.2384C>G, p.Pro795Arg (NM_001142768.2, NM_001142773.2, NM_001354404.2); c.2486C>G, p.Pro829Arg (NM_001142769.4); c.2471C>G, p.Pro824Arg (NM_001354411.2); short protein forms P746R, P822R, P795R, P829R, P780R, P817R, P824R.
Identifiers: ClinVar variation 2064263 (VCV002064263.4), dbSNP rs1399196807, ClinGen allele CA376523275.

ClinVar aggregate classification (germline): Uncertain significance (1 of 4 stars; one submission).

Submission:

Labcorp Genetics (formerly Invitae), Labcorp
Classification: Uncertain significance. Last evaluated: 2022-01-21. Review status: criteria provided, single submitter. Criteria: Invitae Variant Classification Sherloc (09022015). Collection method: clinical testing. Allele origin: germline.
Comment: This sequence change replaces proline, which is neutral and non-polar, with arginine, which is basic and polar, at codon 817 of the PCDH15 protein (p.Pro817Arg). This variant is not present in population databases (gnomAD no frequency). This variant has not been reported in the literature in individuals affected with PCDH15-related conditions. Algorithms developed to predict the effect of missense changes on protein structure and function are either unavailable or do not agree on the potential impact of this missense change (SIFT: "Deleterious"; PolyPhen-2: "Probably Damaging"; Align-GVGD: "Class C0"). Algorithms developed to predict the effect of sequence changes on RNA splicing suggest that this variant may create or strengthen a splice site. In summary, the available evidence is currently insufficient to determine the role of this variant in disease. Therefore, it has been classified as a Variant of Uncertain Significance.